The following is an entry in ClinVar:

ClinVar aggregate classification (germline): Likely pathogenic (1 of 4 stars; one submission).

Submission:

CeGaT Center for Human Genetics Tuebingen
Classification: Likely pathogenic. Last evaluated: 2022-11-01. Review status: criteria provided, single submitter. Criteria: CeGaT Center For Human Genetics Tuebingen Variant Classification Criteria Version 2. Collection method: clinical testing. Allele origin: germline. Affected: yes. Observed: 1 variant allele.
Comment: POLR2A: PS2, PM2, PP2

NM_000937.5(POLR2A):c.4166A>G (p.Asp1389Gly)

Genes: POLR2A (RNA polymerase II subunit A; plus strand), LOC126862482 (CDK7 strongly-dependent group 2 enhancer GRCh37_chr17:7414586-7415785; plus strand). Cytogenetic location: 17p13.1.
Variant type: single nucleotide variant.
Coding change: c.4166A>G on transcript NM_000937.5 (MANE Select); coding-DNA position 4166, A replaced by G.
Protein change: p.Asp1389Gly; replaces aspartic acid 1389 with glycine.
Molecular consequence: missense variant.
Genome position (GRCh38, 1-based): chr17:7,511,875, A>G. VCF-style: chr17-7511875-A-G. GRCh37 (hg19) VCF-style: chr17-7415194-A-G.
Other names: short protein forms D1389G.
Identifiers: ClinVar variation 1879358 (VCV001879358.29), dbSNP rs2508190953, ClinGen allele CA397822872.
Genomic context (GRCh38, chr17:7,511,875, plus strand): 5'-TGGGCATTGAAGCCGTGCGGAAGGCCCTGGAGCGGGAGCTGTACCACGTCATCTCCTTTG[A>G]TGGCTCCTATGTCAATTACCGACACTTGGCTCTCTTGTGTGATACCATGACCTGTCGTGG-3'
Protein context (NP_000928.1, residues 1379-1399): ERELYHVISF[Asp1389Gly]GSYVNYRHLA